The following is an entry in ClinVar:

NM_001130987.2(DYSF):c.3333_3335del (p.Trp1112del)

Gene: DYSF (dysferlin; plus strand). Cytogenetic location: 2p13.2.
Variant type: Deletion.
Coding change: c.3333_3335del on transcript NM_001130987.2 (MANE Select); coding-DNA positions 3333 to 3335, 3 bases deleted (CTG; older notation c.3333_3335delCTG).
Protein change: p.Trp1112del; deletes tryptophan 1112.
Molecular consequence: inframe deletion.
Genome position (GRCh38, 1-based): chr2:71,574,302-71,574,304, CTG deleted; deleting any 3 consecutive bases within chr2:71,574,301-71,574,304 gives the same sequence; the c. name uses the placement nearest the transcript's 3' end. VCF-style (leftmost placement, unchanged base first): chr2-71574300-CGCT-C. GRCh37 (hg19) VCF-style: chr2-71801430-CGCT-C.
Other names: c.3282_3284del, p.Trp1095del (NM_001130455.2, NM_001130983.2); c.3237_3239del, p.Trp1080del (NM_001130976.2, NM_001130977.2); c.3279_3281del, p.Trp1094del (NM_001130978.2, NM_003494.4); c.3372_3374del, p.Trp1125del (NM_001130979.2); c.3330_3332del, p.Trp1111del (NM_001130980.2, NM_001130981.2); c.3375_3377del, p.Trp1126del (NM_001130982.2); c.3240_3242del, p.Trp1081del (NM_001130984.2, NM_001130986.2); c.3333_3335del, p.Trp1112del (NM_001130985.2); short protein forms W1094del, W1112del, W1081del, W1126del, W1080del, W1095del, W1111del, W1125del.
Identifiers: ClinVar variation 555223 (VCV000555223.5), dbSNP rs1553361884, ClinGen allele CA658821433.

ClinVar aggregate classification (germline): Pathogenic. Review status: criteria provided, single submitter (1 of 4 stars). 2 submissions from 2 submitters: Pathogenic (1). 1 of the submissions does not count toward it. Last evaluated 2023-10-27.

Conditions:
Autosomal recessive limb-girdle muscular dystrophy type 2B (LGMDR2). Also called: MUSCULAR DYSTROPHY, LIMB-GIRDLE, AUTOSOMAL RECESSIVE 2; MUSCULAR DYSTROPHY, LIMB-GIRDLE, TYPE 3; Limb-girdle muscular dystrophy, type 2B; Limb-Girdle Muscular Dystrophy Type 2B (LGMD2B). Identifiers: Orphanet 268, MedGen C1850889, MONDO:0009676, OMIM 253601.
Neuromuscular disease caused by qualitative or quantitative defects of dysferlin. Also called: Dysferlinopathy; Qualitative or quantitative defects of dysferlin. Identifiers: Orphanet 207073, MedGen C2931687, MONDO:0016145.

Submissions (2):

Labcorp Genetics (formerly Invitae), Labcorp
Classification: Pathogenic for Neuromuscular disease caused by qualitative or quantitative defects of dysferlin. Last evaluated: 2023-10-27. Review status: criteria provided, single submitter. Criteria: Invitae Variant Classification Sherloc (09022015). Collection method: clinical testing. Allele origin: germline.
Comment: This variant, c.3279_3281del, results in the deletion of 1 amino acid(s) of the DYSF protein (p.Trp1094del), but otherwise preserves the integrity of the reading frame. This variant is not present in population databases (gnomAD no frequency). This variant has not been reported in the literature in individuals affected with DYSF-related conditions. ClinVar contains an entry for this variant (Variation ID: 555223). This variant disrupts a region of the DYSF protein in which other variant(s) (p.Trp1094Arg) have been determined to be pathogenic (PMID: 31268554, 33250842). This suggests that this is a clinically significant region of the protein, and that variants that disrupt it are likely to be disease-causing. For these reasons, this variant has been classified as Pathogenic.

Counsyl
Classification: Uncertain significance for Autosomal recessive limb-girdle muscular dystrophy type 2B. Last evaluated: 2017-11-29. Review status: no assertion criteria provided. Collection method: clinical testing. Allele origin: unknown. Not counted in ClinVar's aggregate classification.

Literature cited by the submitters: PubMed 31268554 (cited by Labcorp Genetics (formerly Invitae), Labcorp); PubMed 33250842 (cited by Labcorp Genetics (formerly Invitae), Labcorp).